The following is an entry in ClinVar:

NM_002474.3(MYH11):c.798A>G (p.Leu266=)

Gene: MYH11 (myosin heavy chain 11; minus strand). Cytogenetic location: 16p13.11.
Variant type: single nucleotide variant.
Coding change: c.798A>G on transcript NM_002474.3 (MANE Select); coding-DNA position 798, A replaced by G.
Protein change: p.Leu266=; no amino-acid change (leucine 266 retained).
Molecular consequence: synonymous variant.
Genome position (GRCh38, 1-based): chr16:15,776,169, T>C on the plus strand (A>G on the coding strand, the complement: MYH11 is on the minus strand). VCF-style: chr16-15776169-T-C. GRCh37 (hg19) VCF-style: chr16-15870026-T-C.
Other names: c.819A>G, p.Leu273= (NM_001040113.2, NM_001040114.2); c.798A>G, p.Leu266= (NM_022844.3).
Identifiers: ClinVar variation 2773867 (VCV002773867.3), dbSNP rs1417076459, ClinGen allele CA493776300.
Genomic context (GRCh38, chr16:15,776,169, plus strand): 5'-GTAGTAAAAGATGTGGAATGTCCTCTCGTCTCTGGCTTGGCGAATTGCCCGTGATTTTTC[T>C]AGCAGATCTGGTTTGGAGGGAGTTAGGGATTCTGGGGATACTGCGGGTGTTCCTCTGGTC-3'
Protein context (NP_002465.1, residues 256-276): IVGANIETYL[Leu266=]EKSRAIRQAR

ClinVar aggregate classification (germline): Likely benign. Review status: criteria provided, multiple submitters, no conflicts (2 of 4 stars). 2 submissions from 2 submitters: Likely benign (2). Last evaluated 2023-11-30.

Conditions:
Familial thoracic aortic aneurysm and aortic dissection (TAAD). Also called: Thoracic aortic aneurysms and dissections. Identifiers: Orphanet 91387, MedGen C4707243, MONDO:0019625.

Allele frequency attached by ClinVar (database versions not stated): TOPMed below 0.00001.

Submissions (2):

All of Us Research Program, National Institutes of Health
Classification: Likely benign for Familial thoracic aortic aneurysm and aortic dissection. Last evaluated: 2023-11-30. Review status: criteria provided, single submitter. Criteria: ACMG Guidelines, 2015. Collection method: clinical testing. Allele origin: germline. Inheritance: Autosomal dominant inheritance. Observed: 2 variant alleles, 2 heterozygotes.
Comment: This study involves interpretation of variants in research participants for the purpose of population health screening. Participant phenotype was not available at the time of variant classification. Additional details can be found in publication PMID: 35346344, PMCID: PMC8962531

Color Diagnostics, LLC DBA Color Health
Classification: Likely benign for Familial thoracic aortic aneurysm and aortic dissection. Last evaluated: 2023-02-28. Review status: criteria provided, single submitter. Criteria: ACMG Guidelines, 2015. Collection method: clinical testing. Allele origin: germline.